The following is an entry in ClinVar:

NM_004260.4(RECQL4):c.161A>C (p.Gln54Pro)

Genes: RECQL4 (RecQ like helicase 4; minus strand), LOC130001411 (ATAC-STARR-seq lymphoblastoid silent region 19699; plus strand). Cytogenetic location: 8q24.3.
Variant type: single nucleotide variant.
Coding change: c.161A>C on transcript NM_004260.4 (MANE Select); coding-DNA position 161, A replaced by C.
Protein change: p.Gln54Pro; replaces glutamine 54 with proline.
Molecular consequence: missense variant.
Genome position (GRCh38, 1-based): chr8:144,517,466, T>G on the plus strand (A>C on the coding strand, the complement: RECQL4 is on the minus strand). VCF-style: chr8-144517466-T-G. GRCh37 (hg19) VCF-style: chr8-145742850-T-G.
Other names: short protein forms Q54P.
Identifiers: ClinVar variation 1491020 (VCV001491020.6), dbSNP rs35198096, ClinGen allele CA372692660.

ClinVar aggregate classification (germline): Uncertain significance (1 of 4 stars; one submission).

Conditions:
Baller-Gerold syndrome (BGS). Also called: CRANIOSYNOSTOSIS WITH RADIAL DEFECTS. Identifiers: Orphanet 1225, MedGen C0265308, MONDO:0009039, OMIM 218600.

Submission:

Labcorp Genetics (formerly Invitae), Labcorp
Classification: Uncertain significance for Baller-Gerold syndrome. Last evaluated: 2020-12-04. Review status: criteria provided, single submitter. Criteria: Invitae Variant Classification Sherloc (09022015). Collection method: clinical testing. Allele origin: germline.
Comment: In summary, the available evidence is currently insufficient to determine the role of this variant in disease. Therefore, it has been classified as a Variant of Uncertain Significance. Experimental studies and prediction algorithms are not available or were not evaluated, and the functional significance of this variant is currently unknown. This variant has not been reported in the literature in individuals with RECQL4-related conditions. This variant is not present in population databases (ExAC no frequency). This sequence change replaces glutamine with proline at codon 54 of the RECQL4 protein (p.Gln54Pro). The glutamine residue is moderately conserved and there is a moderate physicochemical difference between glutamine and proline.